The following is an entry in ClinVar:

ClinVar aggregate classification (germline): Uncertain significance (1 of 4 stars; one submission).

Conditions:
Cardiovascular phenotype. Identifiers: MedGen CN230736.

Submission:

Ambry Genetics
Classification: Uncertain significance for Cardiovascular phenotype. Last evaluated: 2023-03-03. Review status: criteria provided, single submitter. Criteria: Ambry Variant Classification Scheme 2023. Collection method: clinical testing. Allele origin: germline.
Comment: The p.P1229L variant (also known as c.3686C>T), located in coding exon 27 of the DMD gene, results from a C to T substitution at nucleotide position 3686. The proline at codon 1229 is replaced by leucine, an amino acid with similar properties. This amino acid position is well conserved in available vertebrate species. In addition, this alteration is predicted to be tolerated by in silico analysis. Since supporting evidence is limited at this time, the clinical significance of this alteration remains unclear.

NM_004006.3(DMD):c.3686C>T (p.Pro1229Leu)

Gene: DMD (dystrophin; minus strand). Cytogenetic location: Xp21.1.
Variant type: single nucleotide variant.
Coding change: c.3686C>T on transcript NM_004006.3 (MANE Select); coding-DNA position 3686, C replaced by T.
Protein change: p.Pro1229Leu; replaces proline 1229 with leucine.
Molecular consequence: missense variant.
Genome position (GRCh38, 1-based): chrX:32,448,556, G>A on the plus strand (C>T on the coding strand, the complement: DMD is on the minus strand). VCF-style: chrX-32448556-G-A. GRCh37 (hg19) VCF-style: chrX-32466673-G-A.
Other names: c.3662C>T, p.Pro1221Leu (NM_000109.4); c.3674C>T, p.Pro1225Leu (NM_004009.3); c.3317C>T, p.Pro1106Leu (NM_004010.3); short protein forms P1221L, P1225L, P1106L, P1229L.
Identifiers: ClinVar variation 2450352 (VCV002450352.2), dbSNP rs2524244702, ClinGen allele CA412662044.
Genomic context (GRCh38, chrX:32,448,556, plus strand): 5'-CACTGGTAGTTGGTGGTTAGAGTTTCAAGTTCCTTTTTTAAGGCCTCTTGTGCTACAGGT[G>A]GAGCTTGAGCTATGACACTATTTACAGACTCAGTAAGGAGTTTCACTTTCGCTTCTTTTT-3'
Protein context (NP_003997.2, residues 1219-1239): ESVNSVIAQA[Pro1229Leu]PVAQEALKKE